The following is an entry in ClinVar:

ClinVar aggregate classification (germline): Uncertain significance. Review status: criteria provided, multiple submitters, no conflicts (2 of 4 stars). 2 submissions from 2 submitters: Uncertain significance (2). Last evaluated 2025-01-17.

Conditions:
Inborn genetic diseases. Identifiers: MedGen C0950123, MeSH D030342.
Intellectual developmental disorder, X-linked, syndromic, Claes-Jensen type. Also called: INTELLECTUAL DEVELOPMENTAL DISORDER, X-LINKED, SYNDROMIC 16; MENTAL RETARDATION, X-LINKED, SYNDROMIC 16; Syndromic X-linked intellectual disability Claes-Jensen type. Identifiers: Orphanet 85279, MedGen C1845243, MONDO:0010355, OMIM 300534.

Allele frequency attached by ClinVar (database versions not stated): gnomAD exomes 0.00001.

Submissions (2):

Ambry Genetics
Classification: Uncertain significance for Inborn genetic diseases. Last evaluated: 2025-01-17. Review status: criteria provided, single submitter. Criteria: Ambry Variant Classification Scheme 2023. Collection method: clinical testing. Allele origin: germline.

GeneDx
Classification: Uncertain significance. Last evaluated: 2022-12-22. Review status: criteria provided, single submitter. Criteria: GeneDx Variant Classification Process June 2021. Collection method: clinical testing. Allele origin: germline. Affected: yes.
Comment: In silico analysis supports that this missense variant has a deleterious effect on protein structure/function; Has not been previously published as pathogenic or benign to our knowledge

NM_004187.5(KDM5C):c.4286C>T (p.Pro1429Leu)

Gene: KDM5C (lysine demethylase 5C; minus strand). Cytogenetic location: Xp11.22.
Variant type: single nucleotide variant.
Coding change: c.4286C>T on transcript NM_004187.5 (MANE Select); coding-DNA position 4286, C replaced by T.
Protein change: p.Pro1429Leu; replaces proline 1429 with leucine.
Molecular consequence: missense variant. On other transcripts: non-coding transcript variant (3), intron variant (1).
Genome position (GRCh38, 1-based): chrX:53,193,468, G>A on the plus strand (C>T on the coding strand, the complement: KDM5C is on the minus strand). VCF-style: chrX-53193468-G-A. GRCh37 (hg19) VCF-style: chrX-53222650-G-A.
Other names: c.4286C>T (NM_004187.3); c.4283C>T, p.Pro1428Leu (NM_001282622.3, NM_001353979.2); c.4277C>T, p.Pro1426Leu (NM_001353978.3, NM_001353981.2, NM_001353984.2); c.4274C>T, p.Pro1425Leu (NM_001353982.2); c.4046+30C>T (NM_001146702.2); short protein forms P1428L, P1425L, P1426L, P1429L.
Identifiers: ClinVar variation 972937 (VCV000972937.4), dbSNP rs1556832824, ClinGen allele CA413105055.